The following is an entry in ClinVar:

NM_001854.4(COL11A1):c.634G>T (p.Asp212Tyr)

Gene: COL11A1 (collagen type XI alpha 1 chain; minus strand). Cytogenetic location: 1p21.1.
Variant type: single nucleotide variant.
Coding change: c.634G>T on transcript NM_001854.4 (MANE Select); coding-DNA position 634, G replaced by T.
Protein change: p.Asp212Tyr; replaces aspartic acid 212 with tyrosine.
Molecular consequence: missense variant. On other transcripts: non-coding transcript variant (1).
Genome position (GRCh38, 1-based): chr1:103,074,635, C>A on the plus strand (G>T on the coding strand, the complement: COL11A1 is on the minus strand). VCF-style: chr1-103074635-C-A. GRCh37 (hg19) VCF-style: chr1-103540191-C-A.
Other names: c.634G>T, p.Asp212Tyr (NM_001190709.2, NM_080629.3, NM_080630.4); short protein forms D212Y.
Identifiers: ClinVar variation 5041639 (VCV005041639.1).

ClinVar aggregate classification (germline): Uncertain significance (1 of 4 stars; one submission).

Submission:

CeGaT Center for Human Genetics Tuebingen
Classification: Uncertain significance. Last evaluated: 2026-09-01. Review status: criteria provided, single submitter. Criteria: CeGaT Center For Human Genetics Tuebingen Variant Classification Criteria Version 2. Collection method: clinical testing. Allele origin: germline. Affected: yes. Observed: 1 variant allele.
Comment: COL11A1: PM2